The following is an entry in ClinVar:

NC_000014.8:g.(?_55310735)_(55312590_?)dup

Gene: GCH1 (GTP cyclohydrolase 1; minus strand). Cytogenetic location: 14q22.2.
Variant type: Duplication.
Identifiers: ClinVar variation 3243959 (VCV003243959.1).

ClinVar aggregate classification (germline): Uncertain significance (1 of 4 stars; one submission).

Conditions:
GTP cyclohydrolase I deficiency. Identifiers: MedGen C0268467, MONDO:0100184.
Dystonia 5 (DRD). Also called: Dystonia, DOPA-responsive, with or without hyperphenylalaninemia; DYSTONIA, PROGRESSIVE, WITH DIURNAL VARIATION; DYSTONIA-PARKINSONISM WITH DIURNAL FLUCTUATION; GTP Cyclohydrolase 1-Deficient Dopa-Responsive Dystonia; DYT-GCH1. Identifiers: Orphanet 98808, MedGen C1851920, MONDO:0007495, OMIM 128230.

Submission:

Labcorp Genetics (formerly Invitae), Labcorp
Classification: Uncertain significance for GTP cyclohydrolase I deficiency; Dystonia 5. Last evaluated: 2023-07-13. Review status: criteria provided, single submitter. Criteria: Invitae Variant Classification Sherloc (09022015). Collection method: clinical testing. Allele origin: unknown.
Comment: This variant results in a copy number gain of the genomic region encompassing exon(s) 5-6 of the GCH1 gene. This region includes the termination codon of the gene. This copy number gain extends beyond the assayed region for this gene and therefore may encompass additional genes. As the precise location of this event is unknown, it may be in tandem or it may be located elsewhere in the genome. This variant has not been reported in the literature in individuals affected with GCH1-related conditions. Experimental studies and prediction algorithms are not available or were not evaluated, and the functional significance of this variant is currently unknown. In summary, the available evidence is currently insufficient to determine the role of this variant in disease. Therefore, it has been classified as a Variant of Uncertain Significance.